The following is an entry in ClinVar:

NM_000057.4(BLM):c.1736C>G (p.Ser579Cys)

Gene: BLM (BLM RecQ like helicase; plus strand). Cytogenetic location: 15q26.1.
Variant type: single nucleotide variant.
Coding change: c.1736C>G on transcript NM_000057.4 (MANE Select); coding-DNA position 1736, C replaced by G.
Protein change: p.Ser579Cys; replaces serine 579 with cysteine.
Molecular consequence: missense variant.
Genome position (GRCh38, 1-based): chr15:90,761,109, C>G. VCF-style: chr15-90761109-C-G. GRCh37 (hg19) VCF-style: chr15-91304339-C-G.
Other names: c.1736C>G, p.Ser579Cys (NM_001287246.2, NM_001287247.2); c.611C>G, p.Ser204Cys (NM_001287248.2); short protein forms S204C, S579C.
Identifiers: ClinVar variation 4622691 (VCV004622691.1).

ClinVar aggregate classification (germline): Uncertain significance (1 of 4 stars; one submission).

Conditions:
Hereditary cancer-predisposing syndrome. Also called: Neoplastic Syndromes, Hereditary; Tumor predisposition; Hereditary Cancer Syndrome; Hereditary neoplastic syndrome. Identifiers: Orphanet 140162, MedGen C0027672, MeSH D009386, MONDO:0015356.

Submission:

Ambry Genetics
Classification: Uncertain significance for Hereditary cancer-predisposing syndrome. Last evaluated: 2025-10-19. Review status: criteria provided, single submitter. Criteria: Ambry Variant Classification Scheme 2023. Collection method: clinical testing. Allele origin: germline.
Comment: The p.S579C variant (also known as c.1736C>G), located in coding exon 6 of the BLM gene, results from a C to G substitution at nucleotide position 1736. The serine at codon 579 is replaced by cysteine, an amino acid with dissimilar properties. This amino acid position is conserved. In addition, this alteration is predicted to be tolerated by in silico analysis. Based on the available evidence, the clinical significance of this variant remains unclear.